The following is an entry in ClinVar:

ClinVar aggregate classification (germline): Likely benign. Review status: criteria provided, multiple submitters, no conflicts (2 of 4 stars). 4 submissions from 4 submitters: Likely benign (3). 1 of the submissions does not count toward it. Last evaluated 2026-10-01.

Conditions:
Hereditary cancer-predisposing syndrome. Also called: Neoplastic Syndromes, Hereditary; Hereditary neoplastic syndrome; Hereditary Cancer Syndrome; Tumor predisposition. Identifiers: Orphanet 140162, MedGen C0027672, MeSH D009386, MONDO:0015356.
Bloom syndrome (BLM). Also called: Bloom-Torre-Machacek syndrome. Identifiers: Orphanet 125, MedGen C0005859, MONDO:0008876, OMIM 210900.

Allele frequency attached by ClinVar (database versions not stated): gnomAD exomes 0.00001 and 0.00002; ExAC 0.00003; gnomAD 0.00005 and 0.00006; TOPMed 0.00006; ESP Exome Variant Server 0.00023.
gnomAD v4.1: 23 of 1,614,012 alleles (0.0014%); highest among the groups gnomAD compares: African/African-American, 0.021%; no homozygotes.

Submissions (4):

CeGaT Center for Human Genetics Tuebingen
Classification: Likely benign. Last evaluated: 2026-10-01. Review status: criteria provided, single submitter. Criteria: CeGaT Center For Human Genetics Tuebingen Variant Classification Criteria Version 2. Collection method: clinical testing. Allele origin: germline. Affected: yes. Observed: 1 variant allele.
Comment: BLM: BP4, BP7

Labcorp Genetics (formerly Invitae), Labcorp
Classification: Likely benign for Bloom syndrome. Last evaluated: 2026-01-20. Review status: criteria provided, single submitter. Criteria: Invitae Variant Classification Sherloc (09022015). Collection method: clinical testing. Allele origin: germline.

Ambry Genetics
Classification: Likely benign for Hereditary cancer-predisposing syndrome. Last evaluated: 2018-07-26. Review status: criteria provided, single submitter. Criteria: Ambry Variant Classification Scheme 2023. Collection method: clinical testing. Allele origin: germline.

Natera, Inc.
Classification: Likely benign for Bloom syndrome. Last evaluated: 2018-07-04. Review status: no assertion criteria provided. Collection method: clinical testing. Allele origin: germline. Not counted in ClinVar's aggregate classification.

NM_000057.4(BLM):c.450C>T (p.Thr150=)

Gene: BLM (BLM RecQ like helicase; plus strand). Cytogenetic location: 15q26.1.
Variant type: single nucleotide variant.
Coding change: c.450C>T on transcript NM_000057.4 (MANE Select); coding-DNA position 450, C replaced by T.
Protein change: p.Thr150=; no amino-acid change (threonine 150 retained).
Molecular consequence: synonymous variant. On other transcripts: 5 prime UTR variant (1).
Genome position (GRCh38, 1-based): chr15:90,749,718, C>T. VCF-style: chr15-90749718-C-T. GRCh37 (hg19) VCF-style: chr15-91292948-C-T.
Other names: c.450C>T, p.Thr150= (NM_001287246.2, NM_001287247.2); c.-842C>T (NM_001287248.2).
Identifiers: ClinVar variation 701798 (VCV000701798.20), dbSNP rs148861300, ClinGen allele CA7738292.